The following is an entry in ClinVar:

ClinVar aggregate classification (germline): Uncertain significance (1 of 4 stars; one submission).

Conditions:
Hereditary diffuse gastric adenocarcinoma (HDGC). Also called: DIFFUSE GASTRIC AND LOBULAR BREAST CANCER SYNDROME. Identifiers: Orphanet 26106, MedGen C1708349, MONDO:0007648, OMIM 137215.

Submission:

Labcorp Genetics (formerly Invitae), Labcorp
Classification: Uncertain significance for Hereditary diffuse gastric adenocarcinoma. Last evaluated: 2023-05-31. Review status: criteria provided, single submitter. Criteria: Invitae Variant Classification Sherloc (09022015). Collection method: clinical testing. Allele origin: germline.
Comment: In summary, the available evidence is currently insufficient to determine the role of this variant in disease. Therefore, it has been classified as a Variant of Uncertain Significance. An algorithm developed to predict the effect of missense changes on protein structure and function (PolyPhen-2) suggests that this variant is likely to be tolerated. This variant has not been reported in the literature in individuals affected with CDH1-related conditions. This variant is not present in population databases (gnomAD no frequency). This sequence change replaces threonine, which is neutral and polar, with serine, which is neutral and polar, at codon 568 of the CDH1 protein (p.Thr568Ser).

NM_004360.5(CDH1):c.1702A>T (p.Thr568Ser)

Gene: CDH1 (cadherin 1; plus strand). Cytogenetic location: 16q22.1.
Variant type: single nucleotide variant.
Coding change: c.1702A>T on transcript NM_004360.5 (MANE Select); coding-DNA position 1702, A replaced by T.
Protein change: p.Thr568Ser; replaces threonine 568 with serine.
Molecular consequence: missense variant. On other transcripts: intron variant (1).
Genome position (GRCh38, 1-based): chr16:68,819,416, A>T. VCF-style: chr16-68819416-A-T. GRCh37 (hg19) VCF-style: chr16-68853319-A-T.
Other names: c.1519A>T, p.Thr507Ser (NM_001317184.2); c.154A>T, p.Thr52Ser (NM_001317185.2); c.-254-2585A>T (NM_001317186.2); short protein forms T507S, T52S, T568S.
Identifiers: ClinVar variation 2752467 (VCV002752467.3), dbSNP rs1060501242, ClinGen allele CA396465431.